The following is an entry in ClinVar:

NM_000051.4(ATM):c.3828A>G (p.Gln1276=)

Gene: ATM (ATM serine/threonine kinase; plus strand). Cytogenetic location: 11q22.3.
Variant type: single nucleotide variant.
Coding change: c.3828A>G on transcript NM_000051.4 (MANE Select); coding-DNA position 3828, A replaced by G.
Protein change: p.Gln1276=; no amino-acid change (glutamine 1276 retained).
Molecular consequence: synonymous variant.
Genome position (GRCh38, 1-based): chr11:108,284,308, A>G. VCF-style: chr11-108284308-A-G. GRCh37 (hg19) VCF-style: chr11-108155035-A-G.
Other names: c.3828A>G, p.Gln1276= (NM_001351834.2).
Identifiers: ClinVar variation 490550 (VCV000490550.13), dbSNP rs1318728821, ClinGen allele CA476745029.

ClinVar aggregate classification (germline): Benign/Likely benign. Review status: criteria provided, multiple submitters, no conflicts (2 of 4 stars). 4 submissions from 4 submitters: Benign (1); Likely benign (3). Last evaluated 2024-12-02.

Conditions:
Hereditary cancer-predisposing syndrome. Also called: Tumor predisposition; Neoplastic Syndromes, Hereditary; Hereditary Cancer Syndrome; Hereditary neoplastic syndrome. Identifiers: Orphanet 140162, MedGen C0027672, MeSH D009386, MONDO:0015356.
Familial cancer of breast. Also called: BREAST CANCER, FAMILIAL; hereditary breast carcinoma; Hereditary breast cancer. Identifiers: Orphanet 227535, MedGen C0346153, MONDO:0016419, OMIM 114480. Disease mechanism: loss of function.
Ataxia-telangiectasia syndrome (AT). Also called: Ataxia-telangiectasia; Ataxia-telangiectasia, complementation group D; AT, COMPLEMENTATION GROUP C; LOUIS-BAR SYNDROME; Cerebello-oculocutaneous telangiectasia; Immunodeficiency with ataxia telangiectasia. Identifiers: Orphanet 100, MedGen C0004135, MONDO:0008840, OMIM 208900.

Allele frequency attached by ClinVar (database versions not stated): TOPMed below 0.00001; gnomAD exomes below 0.00001.

Submissions (4):

Labcorp Genetics (formerly Invitae), Labcorp
Classification: Likely benign for Ataxia-telangiectasia syndrome. Last evaluated: 2024-12-02. Review status: criteria provided, single submitter. Criteria: Invitae Variant Classification Sherloc (09022015). Collection method: clinical testing. Allele origin: germline.

Myriad Genetics, Inc.
Classification: Benign for Familial cancer of breast. Last evaluated: 2024-05-15. Review status: criteria provided, single submitter. Criteria: Myriad Autosomal Dominant, Autosomal Recessive and X-Linked Classification Criteria (2023). Collection method: clinical testing. Allele origin: unknown.
Comment: This variant is considered benign. This variant is a silent/synonymous amino acid change and it is not expected to impact splicing.

Color Diagnostics, LLC DBA Color Health
Classification: Likely benign for Hereditary cancer-predisposing syndrome. Last evaluated: 2017-08-11. Review status: criteria provided, single submitter. Criteria: ACMG Guidelines, 2015. Collection method: clinical testing. Allele origin: germline.

Ambry Genetics
Classification: Likely benign for Hereditary cancer-predisposing syndrome. Last evaluated: 2015-04-22. Review status: criteria provided, single submitter. Criteria: Ambry Variant Classification Scheme 2023. Collection method: clinical testing. Allele origin: germline.